The following is an entry in ClinVar:

NM_024675.4(PALB2):c.2133_2146dup (p.Asn716fs)

Gene: PALB2 (partner and localizer of BRCA2; minus strand). Cytogenetic location: 16p12.2.
Variant type: Duplication.
Coding change: c.2133_2146dup on transcript NM_024675.4 (MANE Select); coding-DNA positions 2133 to 2146, 14 bases duplicated (TGCGCCTGATGATA).
Protein change: p.Asn716fs; shifts the reading frame from asparagine 716.
Molecular consequence: frameshift variant. On other transcripts: intron variant (1).
Genome position (GRCh38, 1-based): chr16:23,630,008-23,630,021, TATCATCAGGCGCA duplicated on the plus strand (TGCGCCTGATGATA on the coding strand, the reverse complement: PALB2 is on the minus strand). VCF-style (leftmost placement, unchanged base first): chr16-23630007-T-TTATCATCAGGCGCA. GRCh37 (hg19) VCF-style: chr16-23641328-T-TTATCATCAGGCGCA.
Other names: c.2133_2146dupTGCGCCTGATGATA (NM_024675.3); c.2073_2086dup, p.Asn696fs (NM_001407296.1); c.2133_2146dup, p.Asn716fs (NM_001407297.1, NM_001407298.1, NM_001407299.1 and 3 more transcripts); c.1248_1261dup, p.Asn421fs (NM_001407304.1, NM_001407305.1, NM_001407306.1 and 5 more transcripts); c.345_358dup, p.Asn120fs (NM_001407312.1, NM_001407313.1); c.49-746_49-733dup (NM_001407314.1); short protein forms N120fs, N696fs, N421fs, N716fs.
Identifiers: ClinVar variation 3927452 (VCV003927452.1).

ClinVar aggregate classification (germline): Pathogenic (1 of 4 stars; one submission).

Conditions:
Hereditary cancer-predisposing syndrome. Also called: Hereditary Cancer Syndrome; Hereditary neoplastic syndrome; Neoplastic Syndromes, Hereditary; Tumor predisposition. Identifiers: Orphanet 140162, MedGen C0027672, MeSH D009386, MONDO:0015356.

Submission:

Ambry Genetics
Classification: Pathogenic for Hereditary cancer-predisposing syndrome. Last evaluated: 2025-05-25. Review status: criteria provided, single submitter. Criteria: Ambry Variant Classification Scheme 2023. Collection method: clinical testing. Allele origin: germline.
Comment: The c.2133_2146dup14 pathogenic mutation, located in coding exon 5 of the PALB2 gene, results from a duplication of TGCGCCTGATGATA at nucleotide position 2133, causing a translational frameshift with a predicted alternate stop codon (p.N716Mfs*21). This variant is considered to be rare based on population cohorts in the Genome Aggregation Database (gnomAD). This alteration is expected to result in loss of function by premature protein truncation or nonsense-mediated mRNA decay. As such, this alteration is interpreted as a disease-causing mutation.